The following is an entry in ClinVar:

ClinVar aggregate classification (germline): Uncertain significance (1 of 4 stars; one submission).

Conditions:
Inborn genetic diseases. Identifiers: MedGen C0950123, MeSH D030342.

Submission:

Ambry Genetics
Classification: Uncertain significance for Inborn genetic diseases. Last evaluated: 2025-10-26. Review status: criteria provided, single submitter. Criteria: Ambry Variant Classification Scheme 2023. Collection method: clinical testing. Allele origin: germline.
Comment: The p.K617R variant (also known as c.1850A>G), located in coding exon 8 of the MECOM gene, results from an A to G substitution at nucleotide position 1850. The lysine at codon 617 is replaced by arginine, an amino acid with highly similar properties. This amino acid position is conserved. In addition, this alteration is predicted to be tolerated by in silico analysis. Based on the available evidence, the clinical significance of this variant remains unclear.

NM_004991.4(MECOM):c.1850A>G (p.Lys617Arg)

Gene: MECOM (MDS1 and EVI1 complex locus; minus strand). Cytogenetic location: 3q26.2.
Variant type: single nucleotide variant.
Coding change: c.1850A>G on transcript NM_004991.4 (MANE Select); coding-DNA position 1850, A replaced by G.
Protein change: p.Lys617Arg; replaces lysine 617 with arginine.
Molecular consequence: missense variant. On other transcripts: intron variant (2).
Genome position (GRCh38, 1-based): chr3:169,116,022, T>C on the plus strand (A>G on the coding strand, the complement: MECOM is on the minus strand). VCF-style: chr3-169116022-T-C. GRCh37 (hg19) VCF-style: chr3-168833810-T-C.
Other names: c.1481A>G, p.Lys494Arg (NM_001105077.4); c.1286A>G, p.Lys429Arg (NM_001105078.4, NM_001164000.2, NM_001205194.2 and 4 more transcripts); c.1289A>G, p.Lys430Arg (NM_001163999.2, NM_001366467.2, NM_001366468.2 and 1 more transcripts); c.1850A>G, p.Lys617Arg (NM_001366466.2); c.1133-255A>G (NM_001366473.2); c.569-255A>G (NM_001366474.2); short protein forms K430R, K617R, K429R, K494R.
Identifiers: ClinVar variation 4624666 (VCV004624666.1).